The following is an entry in ClinVar:

NM_004064.5(CDKN1B):c.541G>A (p.Ala181Thr)

Gene: CDKN1B (cyclin dependent kinase inhibitor 1B; plus strand). Cytogenetic location: 12p13.1.
Variant type: single nucleotide variant.
Coding change: c.541G>A on transcript NM_004064.5 (MANE Select); coding-DNA position 541, G replaced by A.
Protein change: p.Ala181Thr; replaces alanine 181 with threonine.
Molecular consequence: missense variant.
Genome position (GRCh38, 1-based): chr12:12,718,890, G>A. VCF-style: chr12-12718890-G-A. GRCh37 (hg19) VCF-style: chr12-12871824-G-A.
Other names: short protein forms A181T.
Identifiers: ClinVar variation 825721 (VCV000825721.7), dbSNP rs1592281759, ClinGen allele CA383973037.

ClinVar aggregate classification (germline): Uncertain significance. Review status: criteria provided, multiple submitters, no conflicts (2 of 4 stars). 2 submissions from 2 submitters: Uncertain significance (2). Last evaluated 2023-10-04.

Conditions:
Hereditary cancer-predisposing syndrome. Also called: Neoplastic Syndromes, Hereditary; Hereditary Cancer Syndrome; Hereditary neoplastic syndrome; Tumor predisposition. Identifiers: Orphanet 140162, MedGen C0027672, MeSH D009386, MONDO:0015356.
Multiple endocrine neoplasia type 4. Also called: MULTIPLE ENDOCRINE NEOPLASIA, TYPE IV. Identifiers: Orphanet 276152, MedGen C1970712, MONDO:0012552, OMIM 610755.

Submissions (2):

Labcorp Genetics (formerly Invitae), Labcorp
Classification: Uncertain significance for Multiple endocrine neoplasia type 4. Last evaluated: 2023-10-04. Review status: criteria provided, single submitter. Criteria: Invitae Variant Classification Sherloc (09022015). Collection method: clinical testing. Allele origin: germline.
Comment: This sequence change replaces alanine, which is neutral and non-polar, with threonine, which is neutral and polar, at codon 181 of the CDKN1B protein (p.Ala181Thr). This variant is not present in population databases (gnomAD no frequency). This variant has not been reported in the literature in individuals affected with CDKN1B-related conditions. ClinVar contains an entry for this variant (Variation ID: 825721). An algorithm developed to predict the effect of missense changes on protein structure and function (PolyPhen-2) suggests that this variant is likely to be tolerated. In summary, the available evidence is currently insufficient to determine the role of this variant in disease. Therefore, it has been classified as a Variant of Uncertain Significance.

Ambry Genetics
Classification: Uncertain significance for Hereditary cancer-predisposing syndrome. Last evaluated: 2019-01-11. Review status: criteria provided, single submitter. Criteria: Ambry Variant Classification Scheme 2023. Collection method: clinical testing. Allele origin: germline.
Comment: The p.A181T variant (also known as c.541G>A), located in coding exon 2 of the CDKN1B gene, results from a G to A substitution at nucleotide position 541. The alanine at codon 181 is replaced by threonine, an amino acid with similar properties. This amino acid position is well conserved in available vertebrate species. In addition, this alteration is predicted to be tolerated by in silico analysis. Since supporting evidence is limited at this time, the clinical significance of this alteration remains unclear.